The following is an entry in ClinVar:

NM_000053.4(ATP7B):c.1111G>A (p.Ala371Thr)

Gene: ATP7B (ATPase copper transporting beta; minus strand). Cytogenetic location: 13q14.3.
Variant type: single nucleotide variant.
Coding change: c.1111G>A on transcript NM_000053.4 (MANE Select); coding-DNA position 1111, G replaced by A.
Protein change: p.Ala371Thr; replaces alanine 371 with threonine.
Molecular consequence: missense variant. On other transcripts: intron variant (1).
Genome position (GRCh38, 1-based): chr13:51,974,109, C>T on the plus strand (G>A on the coding strand, the complement: ATP7B is on the minus strand). VCF-style: chr13-51974109-C-T. GRCh37 (hg19) VCF-style: chr13-52548245-C-T.
Other names: c.1111G>A, p.Ala371Thr (NM_001406521.1, NM_001406522.1, NM_001406523.1 and 29 more transcripts); c.1015G>A, p.Ala339Thr (NM_001406530.1, NM_001406517.1, NM_001406518.1 and 3 more transcripts); c.803-25G>A (NM_001243182.2); short protein forms A371T, A339T.
Identifiers: ClinVar variation 1942624 (VCV001942624.5), dbSNP rs2547814922, ClinGen allele CA388038962.

ClinVar aggregate classification (germline): Uncertain significance (1 of 4 stars; one submission).

Conditions:
Wilson disease (WND). Also called: Wilson's disease. Identifiers: Orphanet 905, MedGen C0019202, MONDO:0010200, OMIM 277900. Disease mechanism: loss of function.

Allele frequency attached by ClinVar (database versions not stated): gnomAD exomes below 0.00001.
gnomAD v4.1: 1 of 1,613,998 alleles (0.000062%); highest among the groups gnomAD compares: Non-Finnish European, 0.000085%; no homozygotes.

Submission:

Labcorp Genetics (formerly Invitae), Labcorp
Classification: Uncertain significance for Wilson disease. Last evaluated: 2022-07-27. Review status: criteria provided, single submitter. Criteria: Invitae Variant Classification Sherloc (09022015). Collection method: clinical testing. Allele origin: germline.
Comment: In summary, the available evidence is currently insufficient to determine the role of this variant in disease. Therefore, it has been classified as a Variant of Uncertain Significance. Advanced modeling of protein sequence and biophysical properties (such as structural, functional, and spatial information, amino acid conservation, physicochemical variation, residue mobility, and thermodynamic stability) performed at Invitae indicates that this missense variant is not expected to disrupt ATP7B protein function. This variant has not been reported in the literature in individuals affected with ATP7B-related conditions. This variant is not present in population databases (gnomAD no frequency). This sequence change replaces alanine, which is neutral and non-polar, with threonine, which is neutral and polar, at codon 371 of the ATP7B protein (p.Ala371Thr).